The following is an entry in ClinVar:

NM_001080442.3(SLC38A8):c.137C>A (p.Pro46His)

Gene: SLC38A8 (solute carrier family 38 member 8; minus strand). Cytogenetic location: 16q23.3.
Variant type: single nucleotide variant.
Coding change: c.137C>A on transcript NM_001080442.3 (MANE Select); coding-DNA position 137, C replaced by A.
Protein change: p.Pro46His; replaces proline 46 with histidine.
Molecular consequence: missense variant.
Genome position (GRCh38, 1-based): chr16:84,042,021, G>T on the plus strand (C>A on the coding strand, the complement: SLC38A8 is on the minus strand). VCF-style: chr16-84042021-G-T. GRCh37 (hg19) VCF-style: chr16-84075626-G-T.
Other names: short protein forms P46H.
Identifiers: ClinVar variation 4799678 (VCV004799678.1).
Genomic context (GRCh38, chr16:84,042,021, plus strand): 5'-GGACTTACCAGCTCCACCAGGAAGGCAGGGACCACTCCGCCCGCTTTGGAGAAGGCCCAG[G>T]GGAAGTTGAGCAGGCCAGCTCCCAGCGCGGACTTCATGAGGATGAAGACAGCGCCCATCG-3'
Protein context (NP_001073911.1, residues 36-56): SALGAGLLNF[Pro46His]WAFSKAGGVV

ClinVar aggregate classification (germline): Uncertain significance (1 of 4 stars; one submission).

gnomAD v4.1: 1 of 1,613,460 alleles (0.000062%); highest among the groups gnomAD compares: Non-Finnish European, 0.000085%; no homozygotes.

Submission:

Labcorp Genetics (formerly Invitae), Labcorp
Classification: Uncertain significance. Last evaluated: 2025-08-14. Review status: criteria provided, single submitter. Criteria: Invitae Variant Classification Sherloc (09022015). Collection method: clinical testing. Allele origin: germline.
Comment: This sequence change replaces proline, which is neutral and non-polar, with histidine, which is basic and polar, at codon 46 of the SLC38A8 protein (p.Pro46His). This variant is not present in population databases (gnomAD no frequency). This missense change has been observed in individual(s) with clinical features of foveal hypoplasia (internal data). In at least one individual the data is consistent with being in trans (on the opposite chromosome) from a pathogenic variant. Invitae Evidence Modeling of protein sequence and biophysical properties (such as structural, functional, and spatial information, amino acid conservation, physicochemical variation, residue mobility, and thermodynamic stability) has been performed for this missense variant. However, the output from this modeling did not meet the statistical confidence thresholds required to predict the impact of this variant on SLC38A8 protein function. In summary, the available evidence is currently insufficient to determine the role of this variant in disease. Therefore, it has been classified as a Variant of Uncertain Significance.